The following is an entry in ClinVar:

ClinVar aggregate classification (germline): Conflicting classifications of pathogenicity. Review status: criteria provided, conflicting classifications (1 of 4 stars). 3 submissions from 3 submitters: Uncertain significance (2); Benign (1). Last evaluated 2025-10-25.

Conditions:
Atelosteogenesis type III. Also called: Atelosteogenesis Type 3 (FLNB-AO3). Identifiers: Orphanet 56305, MedGen C3668942, MONDO:0007168, OMIM 108721.
Atelosteogenesis type I. Also called: GIANT CELL CHONDRODYSPLASIA; SPONDYLOHUMEROFEMORAL HYPOPLASIA; Atelosteogenesis Type 1 (FLNB-AO1). Identifiers: Orphanet 1190, MedGen C0265283, MONDO:0007167, OMIM 108720.
Boomerang dysplasia. Identifiers: Orphanet 1263, MedGen C0432201, MONDO:0007208, OMIM 112310.
Larsen syndrome (LRS). Also called: Larsen syndrome (FLNB-LS); Bilateral dislocation of the knees, pes cavus, cylindrically shaped fingers and characteristic facies. Identifiers: Orphanet 503, MedGen C0175778, MONDO:0007875, OMIM 150250. Disease mechanism: loss of function.
Spondylocarpotarsal synostosis syndrome (SCT). Also called: SPONDYLOCARPOTARSAL SYNDROME; VERTEBRAL FUSION WITH CARPAL COALITION; Spondylocarpotarsal Synostosis Syndrome (FLNB-SCT); Synspondylism congenital; Scoliosis, congenital with unilateral unsegmented bar. Identifiers: Orphanet 3275, MedGen C1848934, MONDO:0010094, OMIM 272460.

Allele frequency attached by ClinVar (database versions not stated): ESP Exome Variant Server 0.00062; gnomAD exomes 0.00004 and 0.00010; ExAC 0.00010; 1000 Genomes Project 30x 0.00016; 1000 Genomes Project 0.00020; gnomAD 0.00042 and 0.00043; TOPMed 0.00053.
gnomAD v4.1: 120 of 1,614,228 alleles (0.0074%); highest among the groups gnomAD compares: African/African-American, 0.14%; no homozygotes.

Submissions (3):

Labcorp Genetics (formerly Invitae), Labcorp
Classification: Benign. Last evaluated: 2025-10-25. Review status: criteria provided, single submitter. Criteria: Invitae Variant Classification Sherloc (09022015). Collection method: clinical testing. Allele origin: germline.

Fulgent Genetics
Classification: Uncertain significance for Atelosteogenesis type I; Atelosteogenesis type III; Boomerang dysplasia; Larsen syndrome; Spondylocarpotarsal synostosis syndrome. Last evaluated: 2021-07-24. Review status: criteria provided, single submitter. Criteria: ACMG Guidelines, 2015. Collection method: clinical testing. Allele origin: unknown.

GeneDx
Classification: Uncertain significance. Last evaluated: 2017-08-11. Review status: criteria provided, single submitter. Criteria: GeneDx Variant Classification (06012015). Collection method: clinical testing. Allele origin: germline. Affected: yes.
Comment: The A1577V variant in the FLNB gene has not been reported previously as a pathogenic variant, nor as a benign variant, to our knowledge. The A1577V variant is observed in 12/10340 (0.12%) alleles from individuals of African background, in the ExAC dataset (Lek et al., 2016). The A1577V variant is a conservative amino acid substitution, which is not likely to impact secondary protein structure as these residues share similar properties. This substitution occurs at a position that is not conserved. In silico analysis is inconsistent in its predictions as to whether or not the variant is damaging to the protein structure/function. We interpret A1577V as a variant of uncertain significance.

NM_001457.4(FLNB):c.4730C>T (p.Ala1577Val)

Gene: FLNB (filamin B; plus strand). Cytogenetic location: 3p14.3.
Variant type: single nucleotide variant.
Coding change: c.4730C>T on transcript NM_001457.4 (MANE Select); coding-DNA position 4730, C replaced by T.
Protein change: p.Ala1577Val; replaces alanine 1577 with valine.
Molecular consequence: missense variant.
Genome position (GRCh38, 1-based): chr3:58,136,037, C>T. VCF-style: chr3-58136037-C-T. GRCh37 (hg19) VCF-style: chr3-58121764-C-T.
Other names: c.4823C>T, p.Ala1608Val (NM_001164317.2); c.4730C>T, p.Ala1577Val (NM_001164318.2, NM_001164319.2); short protein forms A1577V, A1608V.
Identifiers: ClinVar variation 449027 (VCV000449027.8), dbSNP rs148101195, ClinGen allele CA2468855.
Genomic context (GRCh38, chr3:58,136,037, plus strand): 5'-AGGACCAAGAAGGAAAACCCAAAAGAGCCATTGTCCATGACAATAAAGATGGCACGTATG[C>T]TGTCACCTACATCCCCGACAAGACTGGGCGCTATATGATTGGAGTCACCTACGGGGGTGA-3'
Protein context (NP_001448.2, residues 1567-1587): IVHDNKDGTY[Ala1577Val]VTYIPDKTGR